The following is an entry in ClinVar:

NM_001039876.3(SYNE4):c.853G>T (p.Gly285Ter)

Gene: SYNE4 (spectrin repeat containing nuclear envelope family member 4; minus strand). Cytogenetic location: 19q13.12.
Variant type: single nucleotide variant.
Coding change: c.853G>T on transcript NM_001039876.3 (MANE Select); coding-DNA position 853, G replaced by T.
Protein change: p.Gly285Ter; replaces glycine 285 with a stop codon.
Molecular consequence: nonsense.
Genome position (GRCh38, 1-based): chr19:36,006,437, C>A on the plus strand (G>T on the coding strand, the complement: SYNE4 is on the minus strand). VCF-style: chr19-36006437-C-A. GRCh37 (hg19) VCF-style: chr19-36497339-C-A.
Other names: c.514G>T, p.Gly172Ter (NM_001297735.3); short protein forms G172*, G285*.
Identifiers: ClinVar variation 2982109 (VCV002982109.3), dbSNP rs1976853079, ClinGen allele CA405431351.

ClinVar aggregate classification (germline): Pathogenic (1 of 4 stars; one submission).

Submission:

Labcorp Genetics (formerly Invitae), Labcorp
Classification: Pathogenic. Last evaluated: 2024-01-03. Review status: criteria provided, single submitter. Criteria: Invitae Variant Classification Sherloc (09022015). Collection method: clinical testing. Allele origin: germline.
Comment: This sequence change creates a premature translational stop signal (p.Gly285*) in the SYNE4 gene. It is expected to result in an absent or disrupted protein product. Loss-of-function variants in SYNE4 are known to be pathogenic (PMID: 23348741, 28958982). This variant is not present in population databases (gnomAD no frequency). This variant has not been reported in the literature in individuals affected with SYNE4-related conditions. For these reasons, this variant has been classified as Pathogenic.

Literature cited by the submitters: PubMed 23348741; PubMed 28958982.